The following is an entry in ClinVar:

NM_002979.5(SCP2):c.419C>T (p.Thr140Ile)

Gene: SCP2 (sterol carrier protein 2; plus strand). Cytogenetic location: 1p32.3.
Variant type: single nucleotide variant.
Coding change: c.419C>T on transcript NM_002979.5 (MANE Select); coding-DNA position 419, C replaced by T.
Protein change: p.Thr140Ile; replaces threonine 140 with isoleucine.
Molecular consequence: missense variant.
Genome position (GRCh38, 1-based): chr1:52,961,525, C>T. VCF-style: chr1-52961525-C-T. GRCh37 (hg19) VCF-style: chr1-53427197-C-T.
Other names: c.287C>T, p.Thr96Ile (NM_001007098.3, NM_001193600.2); c.347C>T, p.Thr116Ile (NM_001193599.2); c.176C>T, p.Thr59Ile (NM_001193617.2); c.419C>T, p.Thr140Ile (NM_001330587.2); short protein forms T116I, T140I, T59I, T96I.
Identifiers: ClinVar variation 4769219 (VCV004769219.1).
Genomic context (GRCh38, chr1:52,961,525, plus strand): 5'-ATGTCAGCTGCTTATGAAATTTTGTTCCCCCCTCTTAGTTTTCAGATAGAACCATTCCCA[C>T]TGATAAGCATGTTGACCTCCTGATCAATAAGTATGGATTGTCTGCTCACCCAGTTGCTCC-3'
Protein context (NP_002970.2, residues 130-150): GIKFSDRTIP[Thr140Ile]DKHVDLLINK

ClinVar aggregate classification (germline): Uncertain significance (1 of 4 stars; one submission).

Submission:

Labcorp Genetics (formerly Invitae), Labcorp
Classification: Uncertain significance. Last evaluated: 2025-09-15. Review status: criteria provided, single submitter. Criteria: Invitae Variant Classification Sherloc (09022015). Collection method: clinical testing. Allele origin: germline.
Comment: This sequence change replaces threonine, which is neutral and polar, with isoleucine, which is neutral and non-polar, at codon 140 of the SCP2 protein (p.Thr140Ile). This variant is present in population databases (rs201992866, gnomAD 0.007%). This variant has not been reported in the literature in individuals affected with SCP2-related conditions. An algorithm developed to predict the effect of missense changes on protein structure and function outputs the following: PolyPhen-2: "Benign". The isoleucine amino acid residue is found in multiple mammalian species, which suggests that this missense change does not adversely affect protein function. In summary, the available evidence is currently insufficient to determine the role of this variant in disease. Therefore, it has been classified as a Variant of Uncertain Significance.